The following is an entry in ClinVar:

NM_022100.3(MRPS14):c.378G>A (p.Ala126=)

Gene: MRPS14 (mitochondrial ribosomal protein S14; minus strand). Cytogenetic location: 1q25.1.
Variant type: single nucleotide variant.
Coding change: c.378G>A on transcript NM_022100.3 (MANE Select); coding-DNA position 378, G replaced by A.
Protein change: p.Ala126=; no amino-acid change (alanine 126 retained).
Molecular consequence: synonymous variant. On other transcripts: non-coding transcript variant (1).
Genome position (GRCh38, 1-based): chr1:175,014,678, C>T on the plus strand (G>A on the coding strand, the complement: MRPS14 is on the minus strand). VCF-style: chr1-175014678-C-T. GRCh37 (hg19) VCF-style: chr1-174983814-C-T.
Identifiers: ClinVar variation 2151291 (VCV002151291.28), dbSNP rs745668586, ClinGen allele CA1253617.

ClinVar aggregate classification (germline): Likely benign. Review status: criteria provided, multiple submitters, no conflicts (2 of 4 stars). 2 submissions from 2 submitters: Likely benign (2). Last evaluated 2026-01-05.

Allele frequency attached by ClinVar (database versions not stated): ExAC 0.00004; gnomAD 0.00005; TOPMed 0.00005; gnomAD exomes 0.00008.

Submissions (2):

Labcorp Genetics (formerly Invitae), Labcorp
Classification: Likely benign. Last evaluated: 2026-01-05. Review status: criteria provided, single submitter. Criteria: Invitae Variant Classification Sherloc (09022015). Collection method: clinical testing. Allele origin: germline.

CeGaT Center for Human Genetics Tuebingen
Classification: Likely benign. Last evaluated: 2022-07-01. Review status: criteria provided, single submitter. Criteria: CeGaT Center For Human Genetics Tuebingen Variant Classification Criteria Version 2. Collection method: clinical testing. Allele origin: germline. Affected: yes. Observed: 1 variant allele.
Comment: MRPS14: BP4, BP7